The following is an entry in ClinVar:

ClinVar aggregate classification (germline): Uncertain significance (1 of 4 stars; one submission).

Allele frequency attached by ClinVar (database versions not stated): gnomAD exomes below 0.00001; gnomAD 0.00001.
gnomAD v4.1: 6 of 1,585,684 alleles (0.00038%); highest among the groups gnomAD compares: Non-Finnish European, 0.00052%; no homozygotes.

Submission:

Labcorp Genetics (formerly Invitae), Labcorp
Classification: Uncertain significance. Last evaluated: 2022-11-07. Review status: criteria provided, single submitter. Criteria: Invitae Variant Classification Sherloc (09022015). Collection method: clinical testing. Allele origin: germline.
Comment: This variant has not been reported in the literature in individuals affected with SCLT1-related conditions. ClinVar contains an entry for this variant (Variation ID: 1460478). Algorithms developed to predict the effect of missense changes on protein structure and function are either unavailable or do not agree on the potential impact of this missense change (SIFT: "Deleterious"; PolyPhen-2: "Possibly Damaging"; Align-GVGD: "Class C15"). In summary, the available evidence is currently insufficient to determine the role of this variant in disease. Therefore, it has been classified as a Variant of Uncertain Significance. This sequence change replaces threonine, which is neutral and polar, with isoleucine, which is neutral and non-polar, at codon 206 of the SCLT1 protein (p.Thr206Ile). This variant is not present in population databases (gnomAD no frequency).

NM_144643.4(SCLT1):c.617C>T (p.Thr206Ile)

Gene: SCLT1 (sodium channel and clathrin linker 1; minus strand). Cytogenetic location: 4q28.2.
Variant type: single nucleotide variant.
Coding change: c.617C>T on transcript NM_144643.4 (MANE Select); coding-DNA position 617, C replaced by T.
Protein change: p.Thr206Ile; replaces threonine 206 with isoleucine.
Molecular consequence: missense variant.
Genome position (GRCh38, 1-based): chr4:128,992,236, G>A on the plus strand (C>T on the coding strand, the complement: SCLT1 is on the minus strand). VCF-style: chr4-128992236-G-A. GRCh37 (hg19) VCF-style: chr4-129913391-G-A.
Other names: short protein forms T206I.
Identifiers: ClinVar variation 1460478 (VCV001460478.8), dbSNP rs1169760672, ClinGen allele CA358189562.
Genomic context (GRCh38, chr4:128,992,236, plus strand): 5'-TTTCGGAGTTGTTCGATTATCACACTTTGTTCAGTTACTGTTTTCAGAAACTGTTGGTTA[G>A]TCTGCCACAAGAAAAAAAAAGAATCAGTATTAGAATATTTAATAACTGTATCTTTAAAGA-3'
Protein context (NP_653244.2, residues 196-216): LHVTNENMEV[Thr206Ile]NQQFLKTVTE